The following is an entry in ClinVar:

ClinVar aggregate classification (germline): Uncertain significance (1 of 4 stars; one submission).

Conditions:
Inborn genetic diseases. Identifiers: MedGen C0950123, MeSH D030342.

Submission:

Ambry Genetics
Classification: Uncertain significance for Inborn genetic diseases. Last evaluated: 2025-10-11. Review status: criteria provided, single submitter. Criteria: Ambry Variant Classification Scheme 2023. Collection method: clinical testing. Allele origin: germline.
Comment: The p.V35E variant (also known as c.104T>A), located in coding exon 1 of the SH2B3 gene, results from a T to A substitution at nucleotide position 104. The valine at codon 35 is replaced by glutamic acid, an amino acid with dissimilar properties. This amino acid position is conserved. In addition, this alteration is predicted to be tolerated by in silico analysis. Based on the available evidence, the clinical significance of this variant remains unclear.

NM_005475.3(SH2B3):c.104T>A (p.Val35Glu)

Gene: SH2B3 (SH2B adaptor protein 3; plus strand). Cytogenetic location: 12q24.12.
Variant type: single nucleotide variant.
Coding change: c.104T>A on transcript NM_005475.3 (MANE Select); coding-DNA position 104, T replaced by A.
Protein change: p.Val35Glu; replaces valine 35 with glutamic acid.
Molecular consequence: missense variant.
Genome position (GRCh38, 1-based): chr12:111,418,249, T>A. VCF-style: chr12-111418249-T-A. GRCh37 (hg19) VCF-style: chr12-111856053-T-A.
Other names: short protein forms V35E.
Identifiers: ClinVar variation 4630707 (VCV004630707.1).
Genomic context (GRCh38, chr12:111,418,249, plus strand): 5'-CCTCAGCCTCCCCGGCGGCGGCCCCGCGGGGCTGGAGCGAGTTCTGTGAGTTGCACGCCG[T>A]AGCGGCGGCCCGGGAGCTGGCCCGCCAGTACTGGCTGTTCGCCCGGGAGCATCCGCAGCA-3'
Protein context (NP_005466.1, residues 25-45): GWSEFCELHA[Val35Glu]AAARELARQY